The following is an entry in ClinVar:

NM_016239.4(MYO15A):c.3871C>T (p.Leu1291Phe)

Gene: MYO15A (myosin XVA; plus strand). Cytogenetic location: 17p11.2.
Variant type: single nucleotide variant.
Coding change: c.3871C>T on transcript NM_016239.4 (MANE Select); coding-DNA position 3871, C replaced by T.
Protein change: p.Leu1291Phe; replaces leucine 1291 with phenylalanine.
Molecular consequence: missense variant.
Genome position (GRCh38, 1-based): chr17:18,126,795, C>T. VCF-style: chr17-18126795-C-T. GRCh37 (hg19) VCF-style: chr17-18030109-C-T.
Other names: c.3871C>T (NM_016239.3); short protein forms L1291F.
Identifiers: ClinVar variation 3722521 (VCV003722521.3).
Genomic context (GRCh38, chr17:18,126,795, plus strand): 5'-CTGGGAGGTGTGGGAGCTTAGAGGCAGGGGCCAGCTCTAATGACCTGTCTCCCCAGGCAC[C>T]TCTTTGCTGTTGCAAATCTCGCCTTCGCCAAAATGCTCGATGCCAAACAGAACCAGTGCA-3'
Protein context (NP_057323.3, residues 1281-1301): GRALGENPPH[Leu1291Phe]FAVANLAFAK

ClinVar aggregate classification (germline): Conflicting classifications of pathogenicity. Review status: criteria provided, conflicting classifications (1 of 4 stars). 2 submissions from 2 submitters: Likely pathogenic (1); Uncertain significance (1). Last evaluated 2025-10-24.

gnomAD v4.1: 1 of 1,614,000 alleles (0.000062%); highest among the groups gnomAD compares: African/African-American, 0.0013%; no homozygotes.

Submissions (2):

Labcorp Genetics (formerly Invitae), Labcorp
Classification: Uncertain significance. Last evaluated: 2025-10-24. Review status: criteria provided, single submitter. Criteria: Invitae Variant Classification Sherloc (09022015). Collection method: clinical testing. Allele origin: germline.
Comment: This sequence change replaces leucine, which is neutral and non-polar, with phenylalanine, which is neutral and non-polar, at codon 1291 of the MYO15A protein (p.Leu1291Phe). This variant is not present in population databases (gnomAD no frequency). This missense change has been observed in individual(s) with deafness (PMID: 26242193; internal data). In at least one individual the data is consistent with being in trans (on the opposite chromosome) from a pathogenic variant. ClinVar contains an entry for this variant (Variation ID: 3722521). Invitae Evidence Modeling of protein sequence and biophysical properties (such as structural, functional, and spatial information, amino acid conservation, physicochemical variation, residue mobility, and thermodynamic stability) has been performed for this missense variant. However, the output from this modeling did not meet the statistical confidence thresholds required to predict the impact of this variant on MYO15A protein function. In summary, the available evidence is currently insufficient to determine the role of this variant in disease. Therefore, it has been classified as a Variant of Uncertain Significance.

GeneDx
Classification: Likely pathogenic. Last evaluated: 2025-01-29. Review status: criteria provided, single submitter. Criteria: GeneDx Variant Classification Process June 2021. Collection method: clinical testing. Allele origin: germline. Affected: yes.
Comment: Not observed at significant frequency in large population cohorts (gnomAD); In silico analysis supports that this missense variant has a deleterious effect on protein structure/function; This variant is associated with the following publications: (PMID: 35853923, 34599366, 26242193)

Literature cited by the submitters: PubMed 26242193 (cited by Labcorp Genetics (formerly Invitae), Labcorp).